The following is an entry in ClinVar:

NM_018136.5(ASPM):c.8766_8768del (p.Phe2923del)

Gene: ASPM (assembly factor for spindle microtubules; minus strand). Cytogenetic location: 1q31.3.
Variant type: Deletion.
Coding change: c.8766_8768del on transcript NM_018136.5 (MANE Select); coding-DNA positions 8766 to 8768, 3 bases deleted (ATT; older notation c.8766_8768delATT).
Protein change: p.Phe2923del; deletes phenylalanine 2923.
Molecular consequence: inframe deletion. On other transcripts: intron variant (1).
Genome position (GRCh38, 1-based): chr1:197,100,483-197,100,485, AAT deleted on the plus strand (ATT on the coding strand, the reverse complement: ASPM is on the minus strand). VCF-style (leftmost placement, unchanged base first): chr1-197100482-AAAT-A. GRCh37 (hg19) VCF-style: chr1-197069612-AAAT-A.
Other names: c.4066-4321_4066-4319del (NM_001206846.2); short protein forms F2923del.
Identifiers: ClinVar variation 2080222 (VCV002080222.1), dbSNP rs1657116008, ClinGen allele CA1010891380.

ClinVar aggregate classification (germline): Uncertain significance (1 of 4 stars; one submission).

Allele frequency attached by ClinVar (database versions not stated): gnomAD exomes below 0.00001; gnomAD 0.00001; TOPMed 0.00002.

Submission:

Labcorp Genetics (formerly Invitae), Labcorp
Classification: Uncertain significance. Last evaluated: 2022-03-11. Review status: criteria provided, single submitter. Criteria: Invitae Variant Classification Sherloc (09022015). Collection method: clinical testing. Allele origin: germline.
Comment: This variant, c.8766_8768del, results in the deletion of 1 amino acid(s) of the ASPM protein (p.Phe2923del), but otherwise preserves the integrity of the reading frame. This variant is not present in population databases (gnomAD no frequency). This variant has not been reported in the literature in individuals affected with ASPM-related conditions. Experimental studies and prediction algorithms are not available or were not evaluated, and the functional significance of this variant is currently unknown. In summary, the available evidence is currently insufficient to determine the role of this variant in disease. Therefore, it has been classified as a Variant of Uncertain Significance.